The following is an entry in ClinVar:

ClinVar aggregate classification (germline): Uncertain significance (1 of 4 stars; one submission).

Conditions:
Hereditary cancer-predisposing syndrome. Also called: Neoplastic Syndromes, Hereditary; Tumor predisposition; Hereditary Cancer Syndrome; Hereditary neoplastic syndrome. Identifiers: Orphanet 140162, MedGen C0027672, MeSH D009386, MONDO:0015356.

gnomAD v4.1: 2 of 1,614,018 alleles (0.00012%); highest among the groups gnomAD compares: Middle Eastern, 0.016%; no homozygotes.

Submission:

Ambry Genetics
Classification: Uncertain significance for Hereditary cancer-predisposing syndrome. Last evaluated: 2025-10-07. Review status: criteria provided, single submitter. Criteria: Ambry Variant Classification Scheme 2023. Collection method: clinical testing. Allele origin: germline.
Comment: The p.G84R variant (also known as c.250G>A), located in coding exon 1 of the HOXB13 gene, results from a G to A substitution at nucleotide position 250. The glycine at codon 84 is replaced by arginine, an amino acid with dissimilar properties. This amino acid position is highly conserved in available vertebrate species. In addition, this alteration is predicted to be deleterious by in silico analysis. Based on the available evidence, the clinical significance of this variant remains unclear.

NM_006361.6(HOXB13):c.250G>A (p.Gly84Arg)

Gene: HOXB13 (homeobox B13; minus strand). Cytogenetic location: 17q21.32.
Variant type: single nucleotide variant.
Coding change: c.250G>A on transcript NM_006361.6 (MANE Select); coding-DNA position 250, G replaced by A.
Protein change: p.Gly84Arg; replaces glycine 84 with arginine.
Molecular consequence: missense variant.
Genome position (GRCh38, 1-based): chr17:48,728,344, C>T on the plus strand (G>A on the coding strand, the complement: HOXB13 is on the minus strand). VCF-style: chr17-48728344-C-T. GRCh37 (hg19) VCF-style: chr17-46805706-C-T.
Other names: short protein forms G84R.
Identifiers: ClinVar variation 4643937 (VCV004643937.1).
Genomic context (GRCh38, chr17:48,728,344, plus strand): 5'-CTGCCTGGGCACAGGGTTTCAGCGAGCTCCGGGACACTCGGCAGGAGTAGTACCCGCCTC[C>T]AAAGTAACCATAAGGCACGGGAGCTGGGGACGTCCCCTGGGGCACCCCAGGGCATGGGTG-3'
Protein context (NP_006352.2, residues 74-94): SPAPVPYGYF[Gly84Arg]GGYYSCRVSR